The following is an entry in ClinVar:

ClinVar aggregate classification (germline): Likely benign. Review status: criteria provided, multiple submitters, no conflicts (2 of 4 stars). 4 submissions from 4 submitters: Likely benign (4). Last evaluated 2026-09-01.

Conditions:
Charcot-Marie-Tooth disease, type I (CMT1). Also called: Charcot-Marie-Tooth, Type 1; Charcot-Marie-Tooth disease type 1. Identifiers: Orphanet 65753, MedGen C0751036, MONDO:0019011.
Inborn genetic diseases. Identifiers: MedGen C0950123, MeSH D030342.

Allele frequency attached by ClinVar (database versions not stated): TOPMed below 0.00001; ExAC 0.00002; gnomAD 0.00002; gnomAD exomes 0.00002 and 0.00003.
gnomAD v4.1: 31 of 1,613,914 alleles (0.0019%); highest among the groups gnomAD compares: Non-Finnish European, 0.0025%; no homozygotes.

Submissions (4):

CeGaT Center for Human Genetics Tuebingen
Classification: Likely benign. Last evaluated: 2026-09-01. Review status: criteria provided, single submitter. Criteria: CeGaT Center For Human Genetics Tuebingen Variant Classification Criteria Version 2. Collection method: clinical testing. Allele origin: germline. Affected: yes. Observed: 2 variant alleles.
Comment: MPZ: BP4, BP7

Labcorp Genetics (formerly Invitae), Labcorp
Classification: Likely benign for Charcot-Marie-Tooth disease, type I. Last evaluated: 2025-02-13. Review status: criteria provided, single submitter. Criteria: Invitae Variant Classification Sherloc (09022015). Collection method: clinical testing. Allele origin: germline.

Ambry Genetics
Classification: Likely benign for Inborn genetic diseases. Last evaluated: 2019-07-11. Review status: criteria provided, single submitter. Criteria: Ambry Variant Classification Scheme 2023. Collection method: clinical testing. Allele origin: germline.

GeneDx
Classification: Likely benign. Last evaluated: 2018-05-07. Review status: criteria provided, single submitter. Criteria: GeneDx Variant Classification (06012015). Collection method: clinical testing. Allele origin: germline. Affected: yes.
Comment: This variant is considered likely benign or benign based on one or more of the following criteria: it is a conservative change, it occurs at a poorly conserved position in the protein, it is predicted to be benign by multiple in silico algorithms, and/or has population frequency not consistent with disease.

NM_000530.8(MPZ):c.708G>A (p.Lys236=)

Gene: MPZ (myelin protein zero; minus strand). Cytogenetic location: 1q23.3.
Variant type: single nucleotide variant.
Coding change: c.708G>A on transcript NM_000530.8 (MANE Select); coding-DNA position 708, G replaced by A.
Protein change: p.Lys236=; no amino-acid change (lysine 236 retained).
Molecular consequence: synonymous variant.
Genome position (GRCh38, 1-based): chr1:161,305,915, C>T on the plus strand (G>A on the coding strand, the complement: MPZ is on the minus strand). VCF-style: chr1-161305915-C-T. GRCh37 (hg19) VCF-style: chr1-161275705-C-T.
Other names: c.708G>A (LRG_256t1); c.708G>A, p.Lys236= (NM_001315491.2).
Identifiers: ClinVar variation 531707 (VCV000531707.56), dbSNP rs768913825, ClinGen allele CA1210065.